The following is an entry in ClinVar:

NM_001035.3(RYR2):c.12874A>C (p.Met4292Leu)

Genes: RYR2 (ryanodine receptor 2; plus strand), LOC126806068 (BRD4-independent group 4 enhancer GRCh37_chr1:237947411-237948610; plus strand). Cytogenetic location: 1q43.
Variant type: single nucleotide variant.
Coding change: c.12874A>C on transcript NM_001035.3 (MANE Select); coding-DNA position 12874, A replaced by C.
Protein change: p.Met4292Leu; replaces methionine 4292 with leucine.
Molecular consequence: missense variant.
Genome position (GRCh38, 1-based): chr1:237,784,586, A>C. VCF-style: chr1-237784586-A-C. GRCh37 (hg19) VCF-style: chr1-237947886-A-C.
Other names: short protein forms M4292L.
Identifiers: ClinVar variation 1768981 (VCV001768981.2), dbSNP rs2527794180, ClinGen allele CA345414534.

ClinVar aggregate classification (germline): Uncertain significance (1 of 4 stars; one submission).

Conditions:
Cardiovascular phenotype. Identifiers: MedGen CN230736.

Submission:

Ambry Genetics
Classification: Uncertain significance for Cardiovascular phenotype. Last evaluated: 2022-09-16. Review status: criteria provided, single submitter. Criteria: Ambry Variant Classification Scheme 2023. Collection method: clinical testing. Allele origin: germline.
Comment: The p.M4292L variant (also known as c.12874A>C), located in coding exon 90 of the RYR2 gene, results from an A to C substitution at nucleotide position 12874. The methionine at codon 4292 is replaced by leucine, an amino acid with highly similar properties. This alteration has been reported in a catecholaminergic polymorphic ventricular tachycardia (CPVT) genetic testing cohort; however, clinical details were limited (Kapplinger JD et al. Circ Genom Precis Med, 2018 02;11:e001424). This amino acid position is poorly conserved in available vertebrate species, and leucine is the reference amino acid in other vertebrate species. In addition, this alteration is predicted to be tolerated by in silico analysis. Since supporting evidence is limited at this time, the clinical significance of this alteration remains unclear.

Literature cited by the submitters: PubMed 29453246.